The following is an entry in ClinVar:

ClinVar aggregate classification (germline): Conflicting classifications of pathogenicity. Review status: criteria provided, conflicting classifications (1 of 4 stars). 7 submissions from 6 submitters: Uncertain significance (6); Likely benign (1). Last evaluated 2024-11-05.

Conditions:
Cardiovascular phenotype. Identifiers: MedGen CN230736.
Catecholaminergic polymorphic ventricular tachycardia 1. Also called: VENTRICULAR TACHYCARDIA, CATECHOLAMINERGIC POLYMORPHIC, 1, WITH OR WITHOUT ATRIAL DYSFUNCTION AND/OR DILATED CARDIOMYOPATHY; VENTRICULAR TACHYCARDIA, STRESS-INDUCED POLYMORPHIC 1; RYR2-Related Catecholaminergic Polymorphic Ventricular Tachycardia. Identifiers: Orphanet 3286, MedGen C1631597, MONDO:0011484, OMIM 604772.
Arrhythmogenic right ventricular dysplasia 2. Identifiers: MedGen C1832931.
Ventricular arrhythmias due to cardiac ryanodine receptor calcium release deficiency syndrome. Also called: Autosomal dominant cardiac arrhythmia (Kuhn). Identifiers: MedGen C5542154, MONDO:0020745, OMIM 115000.
Catecholaminergic polymorphic ventricular tachycardia (CVPT). Also called: Catecholamine-induced polymorphic ventricular tachycardia. Identifiers: Orphanet 3286, MedGen C5574922, MONDO:0017990.
Cardiomyopathy (CMYO). Also called: Cardiomyopathies. Identifiers: Orphanet 167848, MedGen C0878544, MONDO:0004994, HP:0001638. Inheritance: Various modes of inheritance.

Allele frequency attached by ClinVar (database versions not stated): gnomAD exomes below 0.00001; gnomAD 0.00001; TOPMed 0.00001.
gnomAD v4.1: 4 of 1,613,866 alleles (0.00025%); highest among the groups gnomAD compares: African/African-American, 0.0013%; no homozygotes.

Submissions (7):

Labcorp Genetics (formerly Invitae), Labcorp
Classification: Likely benign for Catecholaminergic polymorphic ventricular tachycardia 1. Last evaluated: 2024-11-05. Review status: criteria provided, single submitter. Criteria: Invitae Variant Classification Sherloc (09022015). Collection method: clinical testing. Allele origin: germline.

All of Us Research Program, National Institutes of Health
Classification: Uncertain significance for Catecholaminergic polymorphic ventricular tachycardia. Last evaluated: 2024-07-20. Review status: criteria provided, single submitter. Criteria: ACMG Guidelines, 2015. Collection method: clinical testing. Allele origin: germline. Inheritance: Autosomal dominant inheritance. Observed: 1 variant allele, 1 heterozygote.
Comment: Variant of Uncertain Significance due to insufficient evidence: This missense variant replaces alanine with serine at codon 1134 of the RYR2 protein. Computational prediction tools and conservation analyses are inconclusive regarding the impact of this variant on the protein function. Computational splicing tools suggest that this variant may not impact RNA splicing. To our knowledge, functional assays have not been performed for this variant nor has this variant been reported in individuals affected with cardiovascular disorders in the literature. This variant has been identified in 2/280546 chromosomes in the general population by the Genome Aggregation Database (gnomAD). Available evidence is insufficient to determine the role of this variant in disease conclusively.

This study involves interpretation of variants in research participants for the purpose of population health screening. Participant phenotype was not available at the time of variant classification. Additional details can be found in publication PMID: 35346344, PMCID: PMC8962531

Color Diagnostics, LLC DBA Color Health
Classification: Uncertain significance for Cardiomyopathy. Last evaluated: 2023-12-04. Review status: criteria provided, single submitter. Criteria: ACMG Guidelines, 2015. Collection method: clinical testing. Allele origin: germline.
Comment: Variant of Uncertain Significance due to insufficient evidence: This missense variant replaces alanine with serine at codon 1134 of the RYR2 protein. Computational prediction tools and conservation analyses are inconclusive regarding the impact of this variant on the protein function. Computational splicing tools suggest that this variant may not impact RNA splicing. To our knowledge, functional assays have not been performed for this variant nor has this variant been reported in individuals affected with cardiovascular disorders in the literature. This variant has been identified in 2/280546 chromosomes in the general population by the Genome Aggregation Database (gnomAD). Available evidence is insufficient to determine the role of this variant in disease conclusively.

Ambry Genetics
Classification: Uncertain significance for Cardiovascular phenotype. Last evaluated: 2023-01-27. Review status: criteria provided, single submitter. Criteria: Ambry Variant Classification Scheme 2023. Collection method: clinical testing. Allele origin: germline.
Comment: The p.A1134S variant (also known as c.3400G>T), located in coding exon 28 of the RYR2 gene, results from a G to T substitution at nucleotide position 3400. The alanine at codon 1134 is replaced by serine, an amino acid with similar properties. This amino acid position is highly conserved in available vertebrate species. In addition, this alteration is predicted to be tolerated by in silico analysis. Since supporting evidence is limited at this time, the clinical significance of this alteration remains unclear.

Fulgent Genetics
Classification: Uncertain significance for Ventricular arrhythmias due to cardiac ryanodine receptor calcium release deficiency syndrome; Catecholaminergic polymorphic ventricular tachycardia 1. Last evaluated: 2021-10-30. Review status: criteria provided, single submitter. Criteria: ACMG Guidelines, 2015. Collection method: clinical testing. Allele origin: unknown.

Illumina Laboratory Services, Illumina
Classification: Uncertain significance for Catecholaminergic polymorphic ventricular tachycardia 1. Last evaluated: 2018-01-12. Review status: criteria provided, single submitter. Criteria: ICSL Variant Classification Criteria 13 December 2019. Collection method: clinical testing. Allele origin: germline.

Illumina Laboratory Services, Illumina
Classification: Uncertain significance for Catecholaminergic polymorphic ventricular tachycardia 1. Last evaluated: 2018-01-12. Review status: criteria provided, single submitter. Criteria: ICSL Variant Classification Criteria 13 December 2019. Collection method: clinical testing. Allele origin: germline.

NM_001035.3(RYR2):c.3400G>T (p.Ala1134Ser)

Gene: RYR2 (ryanodine receptor 2; plus strand). Cytogenetic location: 1q43.
Variant type: single nucleotide variant.
Coding change: c.3400G>T on transcript NM_001035.3 (MANE Select); coding-DNA position 3400, G replaced by T.
Protein change: p.Ala1134Ser; replaces alanine 1134 with serine.
Molecular consequence: missense variant.
Genome position (GRCh38, 1-based): chr1:237,566,752, G>T. VCF-style: chr1-237566752-G-T. GRCh37 (hg19) VCF-style: chr1-237730052-G-T.
Other names: c.3400G>T, p.Ala1134Ser (LRG_402t1); short protein forms A1134S.
Identifiers: ClinVar variation 296719 (VCV000296719.24), dbSNP rs886046265, ClinGen allele CA10609773.